The following is an entry in ClinVar:

NM_001070.5(TUBG1):c.202G>T (p.Asp68Tyr)

Gene: TUBG1 (tubulin gamma 1; plus strand). Cytogenetic location: 17q21.2.
Variant type: single nucleotide variant.
Coding change: c.202G>T on transcript NM_001070.5 (MANE Select); coding-DNA position 202, G replaced by T.
Protein change: p.Asp68Tyr; replaces aspartic acid 68 with tyrosine.
Molecular consequence: missense variant.
Genome position (GRCh38, 1-based): chr17:42,610,462, G>T. VCF-style: chr17-42610462-G-T. GRCh37 (hg19) VCF-style: chr17-40762480-G-T.
Other names: NM_001070.5:c.202G>T; short protein forms D68Y.
Identifiers: ClinVar variation 3236666 (VCV003236666.1), dbSNP rs2510733383, ClinGen allele CA399621648.

ClinVar aggregate classification (germline): Likely pathogenic (1 of 4 stars; one submission).

Conditions:
Complex cortical dysplasia with other brain malformations 4. Identifiers: MedGen C3809420, MONDO:0014171, OMIM 615412.

Submission:

Broad Center for Mendelian Genomics, Broad Institute of MIT and Harvard
Classification: Likely pathogenic for Complex cortical dysplasia with other brain malformations 4. Last evaluated: 2024-05-21. Review status: criteria provided, single submitter. Criteria: ACMG Guidelines, 2015. Collection method: curation. Allele origin: germline. Inheritance: Autosomal dominant inheritance.
Comment: Trio exome analysis showed this variant to be de novo. The variant has not been previously reported in individuals with cortical dysplasia, complex, with other brain malformations 4 and was absent from large population studies. Computational prediction tools and conservation analyses suggest that this variant may impact the protein, though this information is not predictive enough to determine pathogenicity. The number of missense variants reported in TUBG1 in the general population is lower than expected, suggesting there is little benign variation in this gene and slightly increasing the possibility that a missense variant in this gene may not be tolerated. In summary, although additional studies are required to fully establish its clinical significance, this variant is likely pathogenic for autosomal dominant cortical dysplasia, complex, with other brain malformations 4. ACMG/AMP Criteria applied: PS2_Moderate, PM2_Supporting, PP3_Moderate, PP2 (Richards 2015).